The following is an entry in ClinVar:

NM_198525.3(KIF7):c.3431G>A (p.Arg1144Gln)

Genes: KIF7 (kinesin family member 7; minus strand), LOC126862216 (BRD4-independent group 4 enhancer GRCh37_chr15:90171995-90173194; plus strand). Cytogenetic location: 15q26.1.
Variant type: single nucleotide variant.
Coding change: c.3431G>A on transcript NM_198525.3 (MANE Select); coding-DNA position 3431, G replaced by A.
Protein change: p.Arg1144Gln; replaces arginine 1144 with glutamine.
Molecular consequence: missense variant.
Genome position (GRCh38, 1-based): chr15:89,629,461, C>T on the plus strand (G>A on the coding strand, the complement: KIF7 is on the minus strand). VCF-style: chr15-89629461-C-T. GRCh37 (hg19) VCF-style: chr15-90172692-C-T.
Other names: short protein forms R1144Q.
Identifiers: ClinVar variation 1363280 (VCV001363280.7), dbSNP rs756521084, ClinGen allele CA7727710.

ClinVar aggregate classification (germline): Uncertain significance (1 of 4 stars; one submission).

Conditions:
Acrocallosal syndrome (ACLS). Also called: HALLUX DUPLICATION, POSTAXIAL POLYDACTYLY, AND ABSENCE OF CORPUS CALLOSUM; Schinzel syndrome 1; Absence of corpus callosum with unusual facial appearance, mental deficiency, duplication of the halluces and polydactyly. Identifiers: Orphanet 36, MedGen C0796147, MONDO:0008708, OMIM 200990.

gnomAD v4.1: 33 of 1,609,796 alleles (0.002%); highest among the groups gnomAD compares: East Asian, 0.0045%; no homozygotes.

Submission:

Labcorp Genetics (formerly Invitae), Labcorp
Classification: Uncertain significance for Acrocallosal syndrome. Last evaluated: 2022-11-15. Review status: criteria provided, single submitter. Criteria: Invitae Variant Classification Sherloc (09022015). Collection method: clinical testing. Allele origin: germline.
Comment: This sequence change replaces arginine, which is basic and polar, with glutamine, which is neutral and polar, at codon 1144 of the KIF7 protein (p.Arg1144Gln). This variant is present in population databases (rs756521084, gnomAD 0.01%). This variant has not been reported in the literature in individuals affected with KIF7-related conditions. ClinVar contains an entry for this variant (Variation ID: 1363280). Advanced modeling of protein sequence and biophysical properties (such as structural, functional, and spatial information, amino acid conservation, physicochemical variation, residue mobility, and thermodynamic stability) performed at Invitae indicates that this missense variant is not expected to disrupt KIF7 protein function. In summary, the available evidence is currently insufficient to determine the role of this variant in disease. Therefore, it has been classified as a Variant of Uncertain Significance.